The following is an entry in ClinVar:

ClinVar aggregate classification (germline): Likely benign. Review status: criteria provided, multiple submitters, no conflicts (2 of 4 stars). 5 submissions from 5 submitters: Likely benign (4). 1 of the submissions does not count toward it. Last evaluated 2025-12-17.

Conditions:
Oto-palato-digital syndrome, type II (OPD2). Also called: Otopalatodigital Syndrome Type 2 (FLNA-OPD2); Otopalatodigital Syndrome, Type II; OPD II SYNDROME; FACIOPALATOOSSEOUS SYNDROME. Identifiers: Orphanet 669, Orphanet 90652, MedGen C1844696, MONDO:0010571, OMIM 304120.
Heterotopia, periventricular, X-linked dominant (PVNH1). Also called: PERIVENTRICULAR NODULAR HETEROTOPIA 1; PERIVENTRICULAR NODULAR HETEROTOPIA 4; HETEROTOPIA, PERIVENTRICULAR, 1; X-linked periventricular heterotopia. Identifiers: Orphanet 2149, Orphanet 82004, MedGen C1848213, MONDO:0010233, OMIM 300049.
Melnick-Needles syndrome (MNS). Also called: Melnick-Needles Syndrome (FLNA-MNS); OSTEODYSPLASTY OF MELNICK AND NEEDLES; MELNICK-NEEDLES OSTEODYSPLASTY. Identifiers: Orphanet 2484, MedGen C0025237, MONDO:0010650, OMIM 309350.
Frontometaphyseal dysplasia (FMD1). Identifiers: Orphanet 1826, MedGen C0265293, MONDO:0015942.
FLNA-related disorder.
Familial thoracic aortic aneurysm and aortic dissection (TAAD). Also called: Thoracic aortic aneurysms and dissections. Identifiers: Orphanet 91387, MedGen C4707243, MONDO:0019625.

Allele frequency attached by ClinVar (database versions not stated): gnomAD exomes 0.00001; ExAC 0.00002; gnomAD 0.00002; TOPMed 0.00002.
gnomAD v4.1: 15 of 1,206,145 alleles (0.0012%); highest among the groups gnomAD compares: East Asian, 0.027%; no homozygotes.

Submissions (5):

Labcorp Genetics (formerly Invitae), Labcorp
Classification: Likely benign for Oto-palato-digital syndrome, type II; Heterotopia, periventricular, X-linked dominant; Frontometaphyseal dysplasia; Melnick-Needles syndrome. Last evaluated: 2025-12-17. Review status: criteria provided, single submitter. Criteria: Invitae Variant Classification Sherloc (09022015). Collection method: clinical testing. Allele origin: germline.

Blueprint Genetics
Classification: Likely benign. Last evaluated: 2022-08-11. Review status: criteria provided, single submitter. Criteria: ACMG Guidelines, 2015. Collection method: clinical testing. Allele origin: germline.

ARUP Laboratories, Molecular Genetics and Genomics, ARUP Laboratories
Classification: Likely benign. Last evaluated: 2018-12-15. Review status: criteria provided, single submitter. Criteria: ARUP Molecular Germline Variant Investigation Process. Collection method: clinical testing. Allele origin: germline.

Ambry Genetics
Classification: Likely benign for Familial thoracic aortic aneurysm and aortic dissection. Last evaluated: 2016-07-22. Review status: criteria provided, single submitter. Criteria: Ambry Variant Classification Scheme 2023. Collection method: clinical testing. Allele origin: germline.

PreventionGenetics, part of Exact Sciences
Classification: Likely benign for FLNA-related condition. Last evaluated: 2019-07-30. Review status: no assertion criteria provided. Collection method: clinical testing. Allele origin: germline. Not counted in ClinVar's aggregate classification.
Comment: This variant is classified as likely benign based on ACMG/AMP sequence variant interpretation guidelines (Richards et al. 2015 PMID: 25741868, with internal and published modifications).

NM_001110556.2(FLNA):c.5271G>A (p.Leu1757=)

Gene: FLNA (filamin A; minus strand). Cytogenetic location: Xq28.
Variant type: single nucleotide variant.
Coding change: c.5271G>A on transcript NM_001110556.2 (MANE Select); coding-DNA position 5271, G replaced by A.
Protein change: p.Leu1757=; no amino-acid change (leucine 1757 retained).
Molecular consequence: synonymous variant.
Genome position (GRCh38, 1-based): chrX:154,354,658, C>T on the plus strand (G>A on the coding strand, the complement: FLNA is on the minus strand). VCF-style: chrX-154354658-C-T. GRCh37 (hg19) VCF-style: chrX-153583026-C-T.
Other names: c.5247G>A, p.Leu1749= (NM_001456.4); c.5271G>A (NM_001110556.1).
Identifiers: ClinVar variation 519880 (VCV000519880.26), dbSNP rs782031542, ClinGen allele CA10560346.
Genomic context (GRCh38, chrX:154,354,658, plus strand): 5'-TAGCTGGCCAGGCCGTACCCAAGTCTGCTGGCCGCCCTGGGCGTAGGTGTACTGTGGGGC[C>T]AGCTGCTGAGACCGTAGAGGGGGCTGCACCGAGGGCTGGTCCCCAGCCAGAGCCTGCAGG-3'
Protein context (NP_001104026.1, residues 1747-1767): SVQPPLRSQQ[Leu1757=]APQYTYAQGG